The following is an entry in ClinVar:

ClinVar aggregate classification (germline): Uncertain significance (1 of 4 stars; one submission).

Submission:

CeGaT Center for Human Genetics Tuebingen
Classification: Uncertain significance. Last evaluated: 2025-08-01. Review status: criteria provided, single submitter. Criteria: CeGaT Center For Human Genetics Tuebingen Variant Classification Criteria Version 2. Collection method: clinical testing. Allele origin: germline. Affected: yes. Observed: 2 variant alleles.
Comment: FBN1: PM1, PM2, PP3

NM_000138.5(FBN1):c.5409G>T (p.Leu1803Phe)

Gene: FBN1 (fibrillin 1; minus strand). Cytogenetic location: 15q21.1.
Variant type: single nucleotide variant.
Coding change: c.5409G>T on transcript NM_000138.5 (MANE Select); coding-DNA position 5409, G replaced by T.
Protein change: p.Leu1803Phe; replaces leucine 1803 with phenylalanine.
Molecular consequence: missense variant.
Genome position (GRCh38, 1-based): chr15:48,456,650, C>A on the plus strand (G>T on the coding strand, the complement: FBN1 is on the minus strand). VCF-style: chr15-48456650-C-A. GRCh37 (hg19) VCF-style: chr15-48748847-C-A.
Other names: short protein forms L1803F.
Identifiers: ClinVar variation 1176336 (VCV001176336.35), dbSNP rs906226501, ClinGen allele CA269542705.